The following is an entry in ClinVar:

ClinVar aggregate classification (germline): Benign. Review status: criteria provided, single submitter (1 of 4 stars). 2 submissions from 2 submitters: Benign (1). 1 of the submissions does not count toward it. Last evaluated 2019-12-31.

Conditions:
ZC3H14-related disorder. Also called: ZC3H14-related condition.

Allele frequency attached by ClinVar (database versions not stated): gnomAD 0.00048 and 0.00060; TOPMed 0.00078; ExAC 0.00139; gnomAD exomes 0.00143; 1000 Genomes Project 0.00200.
gnomAD v4.1: 949 of 1,570,708 alleles (0.06%); highest among the groups gnomAD compares: East Asian, 1.9%; 12 homozygotes.

Submissions (2):

Labcorp Genetics (formerly Invitae), Labcorp
Classification: Benign. Last evaluated: 2019-12-31. Review status: criteria provided, single submitter. Criteria: Invitae Variant Classification Sherloc (09022015). Collection method: clinical testing. Allele origin: germline.

PreventionGenetics, part of Exact Sciences
Classification: Benign for ZC3H14-related condition. Last evaluated: 2019-06-25. Review status: no assertion criteria provided. Collection method: clinical testing. Allele origin: germline. Not counted in ClinVar's aggregate classification.
Comment: This variant is classified as benign based on ACMG/AMP sequence variant interpretation guidelines (Richards et al. 2015 PMID: 25741868, with internal and published modifications).

NM_024824.5(ZC3H14):c.2204+10C>G

Gene: ZC3H14 (zinc finger CCCH-type containing 14; plus strand). Cytogenetic location: 14q31.3.
Variant type: single nucleotide variant.
Coding change: c.2204+10C>G on transcript NM_024824.5 (MANE Select); 10 bases into the intron after coding-DNA position 2204, C replaced by G.
Molecular consequence: intron variant.
Genome position (GRCh38, 1-based): chr14:88,610,950, C>G. VCF-style: chr14-88610950-C-G. GRCh37 (hg19) VCF-style: chr14-89077294-C-G.
Other names: c.2102+10C>G (NM_001326297.2); c.2099+10C>G (NM_001326315.2, NM_001326316.2); c.2027+10C>G (NM_001326301.2); c.1631+10C>G (NM_001326303.2); c.2201+10C>G (NM_001160103.2); c.2189+10C>G (NM_001326310.2); c.2186+10C>G (NM_001160104.2); c.1811+10C>G (NM_001326295.2); and 17 more.
Identifiers: ClinVar variation 717950 (VCV000717950.6), dbSNP rs183617466, ClinGen allele CA7300795.